The following is an entry in ClinVar:

ClinVar aggregate classification (germline): Uncertain significance. Review status: criteria provided, multiple submitters, no conflicts (2 of 4 stars). 3 submissions from 3 submitters: Uncertain significance (3). Last evaluated 2025-04-09.

Conditions:
Inborn genetic diseases. Identifiers: MedGen C0950123, MeSH D030342.

Allele frequency attached by ClinVar (database versions not stated): gnomAD 0.00001; TOPMed 0.00003; gnomAD exomes 0.00005 and 0.00006; ESP Exome Variant Server 0.00008; ExAC 0.00009.
gnomAD v4.1: 71 of 1,613,728 alleles (0.0044%); highest among the groups gnomAD compares: South Asian, 0.04%; 1 homozygote.

Submissions (3):

Ambry Genetics
Classification: Uncertain significance for Inborn genetic diseases. Last evaluated: 2025-04-09. Review status: criteria provided, single submitter. Criteria: Ambry Variant Classification Scheme 2023. Collection method: clinical testing. Allele origin: germline.

Labcorp Genetics (formerly Invitae), Labcorp
Classification: Uncertain significance. Last evaluated: 2024-01-15. Review status: criteria provided, single submitter. Criteria: Invitae Variant Classification Sherloc (09022015). Collection method: clinical testing. Allele origin: germline.
Comment: This sequence change replaces methionine, which is neutral and non-polar, with valine, which is neutral and non-polar, at codon 280 of the PDE6B protein (p.Met280Val). This variant is present in population databases (rs368480280, gnomAD 0.04%). This variant has not been reported in the literature in individuals affected with PDE6B-related conditions. ClinVar contains an entry for this variant (Variation ID: 1501784). Advanced modeling of protein sequence and biophysical properties (such as structural, functional, and spatial information, amino acid conservation, physicochemical variation, residue mobility, and thermodynamic stability) has been performed at Invitae for this missense variant, however the output from this modeling did not meet the statistical confidence thresholds required to predict the impact of this variant on PDE6B protein function. In summary, the available evidence is currently insufficient to determine the role of this variant in disease. Therefore, it has been classified as a Variant of Uncertain Significance.

Blueprint Genetics
Classification: Uncertain significance. Last evaluated: 2023-11-07. Review status: criteria provided, single submitter. Criteria: ACMG Guidelines, 2015. Collection method: clinical testing. Allele origin: germline.

NM_000283.4(PDE6B):c.838A>G (p.Met280Val)

Genes: PDE6B (phosphodiesterase 6B; plus strand), PDE6B-AS1 (PDE6B antisense RNA 1; minus strand). Cytogenetic location: 4p16.3.
Variant type: single nucleotide variant.
Coding change: c.838A>G on transcript NM_000283.4 (MANE Select); coding-DNA position 838, A replaced by G.
Protein change: p.Met280Val; replaces methionine 280 with valine.
Molecular consequence: missense variant. On other transcripts: initiator codon variant (4), 5 prime UTR variant (1).
Genome position (GRCh38, 1-based): chr4:653,978, A>G. VCF-style: chr4-653978-A-G. GRCh37 (hg19) VCF-style: chr4-647767-A-G.
Other names: c.838A>G (NM_000283.3); c.838A>G, p.Met280Val (NM_001145291.2); c.1A>G, p.Met1Val (NM_001145292.2, NM_001350154.3, NM_001379246.1 and 1 more transcripts); c.-203A>G (NM_001350155.3); short protein forms M1V, M280V.
Identifiers: ClinVar variation 1501784 (VCV001501784.9), dbSNP rs368480280, ClinGen allele CA2794141.